The following is an entry in ClinVar:

NM_000218.3(KCNQ1):c.1713A>G (p.Ser571=)

Gene: KCNQ1 (potassium voltage-gated channel subfamily Q member 1; plus strand). Cytogenetic location: 11p15.5.
Variant type: single nucleotide variant.
Coding change: c.1713A>G on transcript NM_000218.3 (MANE Select); coding-DNA position 1713, A replaced by G.
Protein change: p.Ser571=; no amino-acid change (serine 571 retained).
Molecular consequence: synonymous variant.
Genome position (GRCh38, 1-based): chr11:2,777,013, A>G. VCF-style: chr11-2777013-A-G. GRCh37 (hg19) VCF-style: chr11-2798243-A-G.
Other names: c.1617A>G, p.Ser539= (NM_001406836.1); c.1443A>G, p.Ser481= (NM_001406837.1); c.1173A>G, p.Ser391= (NM_001406838.1); c.1332A>G, p.Ser444= (NM_181798.2).
Identifiers: ClinVar variation 927580 (VCV000927580.13), dbSNP rs1846718527, ClinGen allele CA472465302.

ClinVar aggregate classification (germline): Likely benign. Review status: criteria provided, multiple submitters, no conflicts (2 of 4 stars). 3 submissions from 3 submitters: Likely benign (3). Last evaluated 2025-07-27.

Conditions:
Long QT syndrome (LQTS). Identifiers: MedGen C0023976, MeSH D008133, MONDO:0002442. Disease mechanism: loss of function. Inheritance: Various modes of inheritance.
Cardiac arrhythmia. Also called: Cardiac rhythm disease; Arrhythmia. Identifiers: MedGen C0003811, MONDO:0007263, HP:0011675.

gnomAD v4.1: 1 of 1,613,936 alleles (0.000062%); no homozygotes.

Submissions (3):

Labcorp Genetics (formerly Invitae), Labcorp
Classification: Likely benign for Long QT syndrome. Last evaluated: 2025-07-27. Review status: criteria provided, single submitter. Criteria: Invitae Variant Classification Sherloc (09022015). Collection method: clinical testing. Allele origin: germline.

All of Us Research Program, National Institutes of Health
Classification: Likely benign for Long QT syndrome. Last evaluated: 2023-06-15. Review status: criteria provided, single submitter. Criteria: ACMG Guidelines, 2015. Collection method: clinical testing. Allele origin: germline. Inheritance: Autosomal dominant inheritance. Observed: 1 variant allele, 1 heterozygote.
Comment: This study involves interpretation of variants in research participants for the purpose of population health screening. Participant phenotype was not available at the time of variant classification. Additional details can be found in publication PMID: 35346344, PMCID: PMC8962531

Color Diagnostics, LLC DBA Color Health
Classification: Likely benign for Arrhythmia. Last evaluated: 2018-11-30. Review status: criteria provided, single submitter. Criteria: ACMG Guidelines, 2015. Collection method: clinical testing. Allele origin: germline.